The following is an entry in ClinVar:

ClinVar aggregate classification (germline): Uncertain significance (1 of 4 stars; one submission).

gnomAD v4.1: 1 of 1,613,530 alleles (0.000062%); highest among the groups gnomAD compares: Non-Finnish European, 0.000085%; no homozygotes.

Submission:

Mayo Clinic Laboratories, Mayo Clinic
Classification: Uncertain significance. Last evaluated: 2025-10-09. Review status: criteria provided, single submitter. Criteria: ACMG Guidelines, 2015. Collection method: clinical testing. Allele origin: germline. Observed: 1 variant allele.
Comment: BP4_moderate

NM_007215.4(POLG2):c.93G>C (p.Glu31Asp)

Genes: MILR1 (mast cell immunoglobulin like receptor 1; plus strand), POLG2 (DNA polymerase gamma 2, accessory subunit; minus strand). Cytogenetic location: 17q23.3.
Variant type: single nucleotide variant.
Coding change: c.93G>C on transcript NM_007215.4 (MANE Select); coding-DNA position 93, G replaced by C.
Protein change: p.Glu31Asp; replaces glutamic acid 31 with aspartic acid.
Molecular consequence: missense variant.
Genome position (GRCh38, 1-based): chr17:64,496,876, C>G on the plus strand (G>C on the coding strand, the complement: POLG2 is on the minus strand). VCF-style: chr17-64496876-C-G. GRCh37 (hg19) VCF-style: chr17-62492994-C-G.
Other names: p.Glu31Asp; short protein forms E31D.
Identifiers: ClinVar variation 4542212 (VCV004542212.1).